The following is an entry in ClinVar:

ClinVar aggregate classification (germline): Uncertain significance (1 of 4 stars; one submission).

Submission:

Labcorp Genetics (formerly Invitae), Labcorp
Classification: Uncertain significance. Last evaluated: 2026-02-02. Review status: criteria provided, single submitter. Criteria: Invitae Variant Classification Sherloc (09022015). Collection method: clinical testing. Allele origin: germline.
Comment: This sequence change replaces glycine, which is neutral and non-polar, with serine, which is neutral and polar, at codon 407 of the CAD protein (p.Gly407Ser). This variant is not present in population databases (gnomAD no frequency). This variant has not been reported in the literature in individuals affected with CAD-related conditions. ClinVar contains an entry for this variant (Variation ID: 1411871). Invitae Evidence Modeling of protein sequence and biophysical properties (such as structural, functional, and spatial information, amino acid conservation, physicochemical variation, residue mobility, and thermodynamic stability) indicates that this missense variant is expected to disrupt CAD protein function with a positive predictive value of 80%. In summary, the available evidence is currently insufficient to determine the role of this variant in disease. Therefore, it has been classified as a Variant of Uncertain Significance.

NM_004341.5(CAD):c.1219G>A (p.Gly407Ser)

Gene: CAD (carbamoyl-phosphate synthetase 2, aspartate transcarbamylase, and dihydroorotase; plus strand). Cytogenetic location: 2p23.3.
Variant type: single nucleotide variant.
Coding change: c.1219G>A on transcript NM_004341.5 (MANE Select); coding-DNA position 1219, G replaced by A.
Protein change: p.Gly407Ser; replaces glycine 407 with serine.
Molecular consequence: missense variant.
Genome position (GRCh38, 1-based): chr2:27,224,455, G>A. VCF-style: chr2-27224455-G-A. GRCh37 (hg19) VCF-style: chr2-27447323-G-A.
Other names: c.1219G>A, p.Gly407Ser (NM_001306079.2); short protein forms G407S.
Identifiers: ClinVar variation 1411871 (VCV001411871.6), dbSNP rs2148063268, ClinGen allele CA346203836.